The following is an entry in ClinVar:

NM_006017.3(PROM1):c.1342_1344del (p.Ile448del)

Gene: PROM1 (prominin 1; minus strand). Cytogenetic location: 4p15.32.
Variant type: Deletion.
Coding change: c.1342_1344del on transcript NM_006017.3 (MANE Select); coding-DNA positions 1342 to 1344, 3 bases deleted (ATC; older notation c.1342_1344delATC).
Protein change: p.Ile448del; deletes isoleucine 448.
Genome position (GRCh38, 1-based): chr4:16,006,648-16,006,650, GAT deleted on the plus strand (ATC on the coding strand, the reverse complement: PROM1 is on the minus strand); deleting any 3 consecutive bases within chr4:16,006,648-16,006,652 gives the same sequence; the c. name uses the placement nearest the transcript's 3' end. VCF-style (leftmost placement, unchanged base first): chr4-16006647-CGAT-C. GRCh37 (hg19) VCF-style: chr4-16008270-CGAT-C.
Other names: c.1315_1317del, p.Ile439del (NM_001145847.2, NM_001145848.2, NM_001145851.2 and 4 more transcripts); c.1342_1344del, p.Ile448del (NM_001145849.2, NM_001145850.2); short protein forms I439del, I448del.
Identifiers: ClinVar variation 3631164 (VCV003631164.2).

ClinVar aggregate classification (germline): Uncertain significance (1 of 4 stars; one submission).

Submission:

Labcorp Genetics (formerly Invitae), Labcorp
Classification: Uncertain significance. Last evaluated: 2025-08-03. Review status: criteria provided, single submitter. Criteria: Invitae Variant Classification Sherloc (09022015). Collection method: clinical testing. Allele origin: germline.
Comment: This variant, c.1342_1344del, results in the deletion of 1 amino acid(s) of the PROM1 protein (p.Ile448del), but otherwise preserves the integrity of the reading frame. This variant is present in population databases (rs754515028, gnomAD 0.007%). This variant has not been reported in the literature in individuals affected with PROM1-related conditions. ClinVar contains an entry for this variant (Variation ID: 3631164). In summary, the available evidence is currently insufficient to determine the role of this variant in disease. Therefore, it has been classified as a Variant of Uncertain Significance.